The following is an entry in ClinVar:

NM_018122.5(DARS2):c.669C>T (p.Ala223=)

Gene: DARS2 (aspartyl-tRNA synthetase 2, mitochondrial; plus strand). Cytogenetic location: 1q25.1.
Variant type: single nucleotide variant.
Coding change: c.669C>T on transcript NM_018122.5 (MANE Select); coding-DNA position 669, C replaced by T.
Protein change: p.Ala223=; no amino-acid change (alanine 223 retained).
Molecular consequence: synonymous variant.
Genome position (GRCh38, 1-based): chr1:173,836,945, C>T. VCF-style: chr1-173836945-C-T. GRCh37 (hg19) VCF-style: chr1-173806083-C-T.
Other names: c.669C>T (NM_018122.4); c.669C>T, p.Ala223= (NM_001365212.1, NM_001365213.2).
Identifiers: ClinVar variation 2971236 (VCV002971236.5), dbSNP rs756848461, ClinGen allele CA1250213.

ClinVar aggregate classification (germline): Likely benign. Review status: criteria provided, single submitter (1 of 4 stars). 2 submissions from 2 submitters: Likely benign (1). 1 of the submissions does not count toward it. Last evaluated 2025-06-02.

Conditions:
DARS2-related disorder. Also called: DARS2-related condition.

Allele frequency attached by ClinVar (database versions not stated): ExAC 0.00002.
gnomAD v4.1: 23 of 1,613,368 alleles (0.0014%); highest among the groups gnomAD compares: Admixed American, 0.0067%; no homozygotes.

Submissions (2):

Labcorp Genetics (formerly Invitae), Labcorp
Classification: Likely benign. Last evaluated: 2025-06-02. Review status: criteria provided, single submitter. Criteria: Invitae Variant Classification Sherloc (09022015). Collection method: clinical testing. Allele origin: germline.

PreventionGenetics, part of Exact Sciences
Classification: Likely benign for DARS2-related condition. Last evaluated: 2020-02-11. Review status: no assertion criteria provided. Collection method: clinical testing. Allele origin: germline. Not counted in ClinVar's aggregate classification.
Comment: This variant is classified as likely benign based on ACMG/AMP sequence variant interpretation guidelines (Richards et al. 2015 PMID: 25741868, with internal and published modifications).